The following is an entry in ClinVar:

ClinVar aggregate classification (germline): Likely benign. Review status: criteria provided, multiple submitters, no conflicts (2 of 4 stars). 3 submissions from 3 submitters: Likely benign (3). Last evaluated 2025-03-29.

Conditions:
Cardiomyopathy (CMYO). Also called: Cardiomyopathies. Identifiers: Orphanet 167848, MedGen C0878544, MONDO:0004994, HP:0001638. Inheritance: Various modes of inheritance.
Hypertrophic cardiomyopathy. Also called: HYPERTROPHIC MYOCARDIOPATHY. Identifiers: Orphanet 217569, MedGen C0007194, MeSH D002312, MONDO:0005045, HP:0001639.

Allele frequency attached by ClinVar (database versions not stated): TOPMed 0.00001.
gnomAD v4.1: 4 of 1,614,094 alleles (0.00025%); highest among the groups gnomAD compares: African/African-American, 0.004%; no homozygotes.

Submissions (3):

Labcorp Genetics (formerly Invitae), Labcorp
Classification: Likely benign for Hypertrophic cardiomyopathy. Last evaluated: 2025-03-29. Review status: criteria provided, single submitter. Criteria: Invitae Variant Classification Sherloc (09022015). Collection method: clinical testing. Allele origin: germline.

All of Us Research Program, National Institutes of Health
Classification: Likely benign for Cardiomyopathy. Last evaluated: 2023-10-23. Review status: criteria provided, single submitter. Criteria: ACMG Guidelines, 2015. Collection method: clinical testing. Allele origin: germline. Inheritance: Autosomal dominant inheritance. Observed: 1 variant allele, 1 heterozygote.
Comment: This study involves interpretation of variants in research participants for the purpose of population health screening. Participant phenotype was not available at the time of variant classification. Additional details can be found in publication PMID: 35346344, PMCID: PMC8962531

Color Diagnostics, LLC DBA Color Health
Classification: Likely benign for Cardiomyopathy. Last evaluated: 2023-08-09. Review status: criteria provided, single submitter. Criteria: ACMG Guidelines, 2015. Collection method: clinical testing. Allele origin: germline.

NM_000257.4(MYH7):c.4899C>T (p.Asn1633=)

Genes: MHRT (myosin heavy chain associated RNA transcript; plus strand), MYH7 (myosin heavy chain 7; minus strand), LOC126861897 (BRD4-independent group 4 enhancer GRCh37_chr14:23884455-23885654; plus strand). Cytogenetic location: 14q11.2.
Variant type: single nucleotide variant.
Coding change: c.4899C>T on transcript NM_000257.4 (MANE Select); coding-DNA position 4899, C replaced by T.
Protein change: p.Asn1633=; no amino-acid change (asparagine 1633 retained).
Molecular consequence: synonymous variant. On other transcripts: non-coding transcript variant (1).
Genome position (GRCh38, 1-based): chr14:23,416,058, G>A on the plus strand (C>T on the coding strand, the complement: MYH7 is on the minus strand). VCF-style: chr14-23416058-G-A. GRCh37 (hg19) VCF-style: chr14-23885267-G-A.
Other names: c.4899C>T, p.Asn1633= (NM_001407004.1).
Identifiers: ClinVar variation 2911128 (VCV002911128.5), dbSNP rs979509908, ClinGen allele CA257810449.
Genomic context (GRCh38, chr14:23,416,058, plus strand): 5'-GAGTACCTTCAACAAGCTCTGGAGGCTCTTGACTTGCTTCTGGGCCTCGGCGGCCATGCG[G>A]TTGGCGTGGCTGAGCTGGATCTCCATCTCATTGAGGTCTCCTTCCATCTTCTTCTTCACC-3'
Protein context (NP_000248.2, residues 1623-1643): NEMEIQLSHA[Asn1633=]RMAAEAQKQV